The following is an entry in ClinVar:

ClinVar aggregate classification (germline): Pathogenic (1 of 4 stars; one submission).

Conditions:
Factor X deficiency. Also called: F10 DEFICIENCY. Identifiers: MedGen C0015519, MeSH D005171, MONDO:0002247.
Factor VII deficiency. Also called: Factor 7 deficiency; F7 DEFICIENCY; HYPOPROCONVERTINEMIA. Identifiers: MedGen C0015503, MeSH D005168, MONDO:0002244.

Submission:

ISTH-SSC Genomics in Thrombosis and Hemostasis, KU Leuven, Center for Molecular and Vascular Biology
Classification: Pathogenic for Factor X deficiency; Factor VII deficiency. Review status: criteria provided, single submitter. Criteria: ACMG Guidelines, 2015. Collection method: clinical testing. Allele origin: unknown. Affected: yes.
Comment: Submitted to GoldVariant by Kathleen Freson, Center for Molecular and Vascular Biology, Leuven, Belgium

Literature cited by the submitters: PubMed 34355501.

NC_000013.11:g.109179481_114327244del

Genes: MCF2L (MCF.2 cell line derived transforming sequence like; plus strand), MCF2L-AS1 (MCF2L antisense RNA 1; minus strand), MIR4502 (microRNA 4502; plus strand), MIR548AR (microRNA 548ar; plus strand), MIR8073 (microRNA 8073; plus strand) and 259 more. Cytogenetic location: 13q33.3-34.
Variant type: Deletion.
Identifiers: ClinVar variation 1338738 (VCV001338738.2).